The following is an entry in ClinVar:

NM_000492.4(CFTR):c.4289T>A (p.Leu1430Gln)

Genes: CFTR (CF transmembrane conductance regulator; plus strand), LOC111674477 (CFTR intron 23 enhancer; plus strand). Cytogenetic location: 7q31.2.
Variant type: single nucleotide variant.
Coding change: c.4289T>A on transcript NM_000492.4 (MANE Select); coding-DNA position 4289, T replaced by A.
Protein change: p.Leu1430Gln; replaces leucine 1430 with glutamine.
Molecular consequence: missense variant.
Genome position (GRCh38, 1-based): chr7:117,666,954, T>A. VCF-style: chr7-117666954-T-A. GRCh37 (hg19) VCF-style: chr7-117307008-T-A.
Other names: short protein forms L1430Q.
Identifiers: ClinVar variation 4698166 (VCV004698166.2).

ClinVar aggregate classification (germline): Uncertain significance. Review status: criteria provided, multiple submitters, no conflicts (2 of 4 stars). 2 submissions from 2 submitters: Uncertain significance (2). Last evaluated 2026-08-18.

Conditions:
Cystic fibrosis (CF). Also called: MUCOVISCIDOSIS. Identifiers: Orphanet 586, MedGen C0010674, MONDO:0009061, OMIM 219700. Disease mechanism: loss of function.

gnomAD v4.1: 2 of 1,614,044 alleles (0.00012%); highest among the groups gnomAD compares: Non-Finnish European, 0.00017%; no homozygotes.

Submissions (2):

Ambry Genetics
Classification: Uncertain significance for Cystic fibrosis. Last evaluated: 2026-08-18. Review status: criteria provided, single submitter. Criteria: Ambry Variant Classification Scheme 2023. Collection method: clinical testing. Allele origin: germline.

Labcorp Genetics (formerly Invitae), Labcorp
Classification: Uncertain significance for Cystic fibrosis. Last evaluated: 2025-09-14. Review status: criteria provided, single submitter. Criteria: Invitae Variant Classification Sherloc (09022015). Collection method: clinical testing. Allele origin: germline.
Comment: This sequence change replaces leucine, which is neutral and non-polar, with glutamine, which is neutral and polar, at codon 1430 of the CFTR protein (p.Leu1430Gln). This variant is not present in population databases (gnomAD no frequency). This variant has not been reported in the literature in individuals affected with CFTR-related conditions. Invitae Evidence Modeling of protein sequence and biophysical properties (such as structural, functional, and spatial information, amino acid conservation, physicochemical variation, residue mobility, and thermodynamic stability) indicates that this missense variant is expected to disrupt CFTR protein function with a positive predictive value of 80%. In summary, the available evidence is currently insufficient to determine the role of this variant in disease. Therefore, it has been classified as a Variant of Uncertain Significance.